The following is an entry in ClinVar:

ClinVar aggregate classification (germline): Pathogenic/Likely pathogenic. Review status: criteria provided, multiple submitters, no conflicts (2 of 4 stars). 3 submissions from 3 submitters: Pathogenic (1); Likely pathogenic (2). Last evaluated 2024-06-03.

Conditions:
Methylmalonic aciduria due to complete methylmalonyl-CoA mutase deficiency.
Methylmalonic acidemia (MMA). Also called: Isolated Methylmalonic Acidemia. Identifiers: MedGen C0268583, MeSH C537358, MONDO:0002012, HP:0002912.

Allele frequency attached by ClinVar (database versions not stated): gnomAD exomes below 0.00001; TOPMed below 0.00001.

Submissions (3):

Natera, Inc.
Classification: Likely pathogenic for Methylmalonic aciduria due to complete methylmalonyl-CoA mutase deficiency. Last evaluated: 2024-06-03. Review status: criteria provided, single submitter. Criteria: Natera Variant Classification Schema (03/2026). Collection method: clinical testing. Allele origin: germline.
Comment: The c.1073T>C variant in MMUT is a missense variant predicted to cause substitution of leucine to proline at amino acid 358. This variant is rare in the general population with a frequency below the threshold expected for the associated phenotype(s). This variant has been observed in one or more individuals affected with the associated recessive disease, as either homozygous or compound heterozygous with a second variant (PMID: 32754920, 17957493). Computational prediction algorithms indicate this variant is likely to affect gene or protein function. Given the available evidence, this variant is classified as Likely Pathogenic.

Women's Health and Genetics/Laboratory Corporation of America, LabCorp
Classification: Likely pathogenic for Methylmalonic acidemia. Last evaluated: 2023-11-10. Review status: criteria provided, single submitter. Criteria: LabCorp Variant Classification Summary - May 2015. Collection method: clinical testing. Allele origin: germline.
Comment: Variant summary: MUT c.1073T>C (p.Leu358Pro) results in a non-conservative amino acid change in Methylmalonyl-CoA mutase, catalytic alpha chain (IPR006098) of the encoded protein sequence. Five of five in-silico tools predict a damaging effect of the variant on protein function. The variant was absent in 250930 control chromosomes. c.1073T>C has been reported in the literature in several individuals affected with Methylmalonic Acidemia (example, Brassier_2020, Forny_2023, Horster_2021, Merinero_2008). Particularly, it was reported at a compound heterozygous state with different pathogenic variants in at-least two Methylmalonic Acidemia patients (Horster_2021, Merinero_2008). These data indicate that the variant is likely to be associated with disease. To our knowledge, no experimental evidence demonstrating an impact on protein function has been reported. The following publications have been ascertained in the context of this evaluation (PMID: 31525265, 36717752, 32754920, 17957493). No submitters have cited clinical-significance assessments for this variant to ClinVar after 2014. Based on the evidence outlined above, the variant was classified as likely pathogenic.

Labcorp Genetics (formerly Invitae), Labcorp
Classification: Pathogenic. Last evaluated: 2023-02-18. Review status: criteria provided, single submitter. Criteria: Invitae Variant Classification Sherloc (09022015). Collection method: clinical testing. Allele origin: germline.
Comment: This variant is not present in population databases (gnomAD no frequency). This sequence change replaces leucine, which is neutral and non-polar, with proline, which is neutral and non-polar, at codon 358 of the MUT protein (p.Leu358Pro). This missense change has been observed in individual(s) with methylmalonic aciduria (PMID: 17957493, 31525265, 32754920). In at least one individual the data is consistent with being in trans (on the opposite chromosome) from a pathogenic variant. For these reasons, this variant has been classified as Pathogenic. Advanced modeling of protein sequence and biophysical properties (such as structural, functional, and spatial information, amino acid conservation, physicochemical variation, residue mobility, and thermodynamic stability) performed at Invitae indicates that this missense variant is expected to disrupt MUT protein function.

Literature cited by the submitters: PubMed 32754920 (cited by 3 submitters); PubMed 17957493 (cited by 3 submitters); PubMed 31525265 (cited by Women's Health and Genetics/Laboratory Corporation of America, LabCorp and Labcorp Genetics (formerly Invitae), Labcorp); PubMed 36717752 (cited by Women's Health and Genetics/Laboratory Corporation of America, LabCorp).

NM_000255.4(MMUT):c.1073T>C (p.Leu358Pro)

Gene: MMUT (methylmalonyl-CoA mutase; minus strand). Cytogenetic location: 6p12.3.
Variant type: single nucleotide variant.
Coding change: c.1073T>C on transcript NM_000255.4 (MANE Select); coding-DNA position 1073, T replaced by C.
Protein change: p.Leu358Pro; replaces leucine 358 with proline.
Molecular consequence: missense variant.
Genome position (GRCh38, 1-based): chr6:49,453,595, A>G on the plus strand (T>C on the coding strand, the complement: MMUT is on the minus strand). VCF-style: chr6-49453595-A-G. GRCh37 (hg19) VCF-style: chr6-49421308-A-G.
Other names: c.1073T>C (NM_000255.3); short protein forms L358P.
Identifiers: ClinVar variation 2682442 (VCV002682442.5), dbSNP rs1767612147, ClinGen allele CA364400127.